The following is an entry in ClinVar:

NM_001394062.1(MACF1):c.2915A>C (p.Lys972Thr)

Gene: MACF1 (microtubule actin crosslinking factor 1; plus strand). Cytogenetic location: 1p34.3.
Variant type: single nucleotide variant.
Coding change: c.2915A>C on transcript NM_001394062.1 (MANE Select); coding-DNA position 2915, A replaced by C.
Protein change: p.Lys972Thr; replaces lysine 972 with threonine.
Molecular consequence: missense variant.
Genome position (GRCh38, 1-based): chr1:39,309,695, A>C. VCF-style: chr1-39309695-A-C. GRCh37 (hg19) VCF-style: chr1-39775367-A-C.
Other names: c.2930A>C, p.Lys977Thr (NM_012090.5); short protein forms K972T, K977T.
Identifiers: ClinVar variation 4891494 (VCV004891494.1).
Genomic context (GRCh38, chr1:39,309,695, plus strand): 5'-TTATCTCTTGGAACTATCTGCGTAAAGACCTTGACCTTGTACAGACCTGGAACCTAGAAA[A>C]GGTAATTATGAAAACCTTACCCCAGGCTTACATTCCATTGGCAAGATTTTTTCAGAAGGA-3'
Protein context (NP_001380991.1, residues 962-982): LDLVQTWNLE[Lys972Thr]LRSSAPGECH

ClinVar aggregate classification (germline): Uncertain significance (1 of 4 stars; one submission).

gnomAD v4.1: 3 of 1,609,062 alleles (0.00019%); highest among the groups gnomAD compares: South Asian, 0.0033%; no homozygotes.

Submission:

GeneDx
Classification: Uncertain significance. Last evaluated: 2026-03-04. Review status: criteria provided, single submitter. Criteria: GeneDx Variant Classification Process June 2021. Collection method: clinical testing. Allele origin: germline.
Comment: In silico analysis suggests that this missense variant does not alter protein structure/function; Has not been previously published as pathogenic or benign to our knowledge